The following is an entry in ClinVar:

NM_014714.4(IFT140):c.1770+6G>C

Gene: IFT140 (intraflagellar transport 140; minus strand). Cytogenetic location: 16p13.3.
Variant type: single nucleotide variant.
Coding change: c.1770+6G>C on transcript NM_014714.4 (MANE Select); 6 bases into the intron after coding-DNA position 1770, G replaced by C.
Molecular consequence: intron variant.
Genome position (GRCh38, 1-based): chr16:1,568,211, C>G on the plus strand (G>C on the coding strand, the complement: IFT140 is on the minus strand). VCF-style: chr16-1568211-C-G. GRCh37 (hg19) VCF-style: chr16-1618212-C-G.
Other names: c.1770+6G>C (NM_014714.3).
Identifiers: ClinVar variation 2445804 (VCV002445804.2), dbSNP rs1381640399, ClinGen allele CA620336859.
Genomic context (GRCh38, chr16:1,568,211, plus strand): 5'-GAGGCCTGGCCTGGGAGGACAGAGGTGAGGAGGCGGAGTGGGCGAGTGGACGAGGGGTGG[C>G]CTCACCTTGCTGGGGAGGATGCTGATGGTGCTCCCGCTGCTGCTGCACCGCAGAGAAGCG-3'

ClinVar aggregate classification (germline): Uncertain significance. Review status: criteria provided, multiple submitters, no conflicts (2 of 4 stars). 2 submissions from 2 submitters: Uncertain significance (2). Last evaluated 2025-05-27.

Conditions:
Saldino-Mainzer syndrome (SRTD9). Also called: CONORENAL SYNDROME; Renal dysplasia, retinal pigmentary dystrophy, cerebellar ataxia and skeletal dysplasia; SHORT-RIB THORACIC DYSPLASIA 9 WITHOUT POLYDACTYLY; short-rib thoracic dysplasia 9 with or without polydactyly. Identifiers: Orphanet 140969, MedGen C1849437, MONDO:0009964, OMIM 266920.

Allele frequency attached by ClinVar (database versions not stated): gnomAD exomes below 0.00001; gnomAD 0.00001; TOPMed 0.00001.
gnomAD v4.1: 4 of 1,585,650 alleles (0.00025%); highest among the groups gnomAD compares: African/African-American, 0.0054%; no homozygotes.

Submissions (2):

Labcorp Genetics (formerly Invitae), Labcorp
Classification: Uncertain significance for Saldino-Mainzer syndrome. Last evaluated: 2025-05-27. Review status: criteria provided, single submitter. Criteria: Invitae Variant Classification Sherloc (09022015). Collection method: clinical testing. Allele origin: germline.
Comment: This sequence change falls in intron 15 of the IFT140 gene. It does not directly change the encoded amino acid sequence of the IFT140 protein. It affects a nucleotide within the consensus splice site. This variant is present in population databases (no rsID available, gnomAD 0.008%). This variant has not been reported in the literature in individuals affected with IFT140-related conditions. ClinVar contains an entry for this variant (Variation ID: 2445804). Variants that disrupt the consensus splice site are a relatively common cause of aberrant splicing (PMID: 17576681, 9536098). Algorithms developed to predict the effect of sequence changes on RNA splicing suggest that this variant is not likely to affect RNA splicing. In summary, the available evidence is currently insufficient to determine the role of this variant in disease. Therefore, it has been classified as a Variant of Uncertain Significance.

Women's Health and Genetics/Laboratory Corporation of America, LabCorp
Classification: Uncertain significance. Last evaluated: 2023-02-11. Review status: criteria provided, single submitter. Criteria: LabCorp Variant Classification Summary - May 2015. Collection method: clinical testing. Allele origin: germline.

Literature cited by the submitters: PubMed 17576681 (cited by Labcorp Genetics (formerly Invitae), Labcorp); PubMed 9536098 (cited by Labcorp Genetics (formerly Invitae), Labcorp).